The following is an entry in ClinVar:

ClinVar aggregate classification (germline): Pathogenic. Review status: criteria provided, multiple submitters, no conflicts (2 of 4 stars). 6 submissions from 6 submitters: Pathogenic (6). Last evaluated 2025-09-10.

Conditions:
Xeroderma pigmentosum (XP). Identifiers: Orphanet 910, MedGen C0043346, MONDO:0019600.
Xeroderma pigmentosum, group C (XPC). Also called: XERODERMA PIGMENTOSUM III; XP, GROUP C; XPC-Related Xeroderma Pigmentosum; Xeroderma pigmentosum, complementation group C. Identifiers: Orphanet 910, MedGen C2752147, MONDO:0010211, OMIM 278720.

gnomAD v4.1: 22 of 1,613,788 alleles (0.0014%); highest among the groups gnomAD compares: East Asian, 0.0022%; no homozygotes.

Submissions (6):

Genomic Medicine Center of Excellence, King Faisal Specialist Hospital and Research Centre
Classification: Pathogenic for Xeroderma pigmentosum, group C. Last evaluated: 2025-09-10. Review status: criteria provided, single submitter. Criteria: ACMG Guidelines, 2015. Collection method: clinical testing. Allele origin: germline.

Revvity Omics, Revvity
Classification: Pathogenic for Xeroderma pigmentosum, group C. Last evaluated: 2025-03-03. Review status: criteria provided, single submitter. Criteria: ACMG Guidelines, 2015. Collection method: clinical testing. Allele origin: germline.

Fulgent Genetics
Classification: Pathogenic for Xeroderma pigmentosum, group C. Last evaluated: 2024-03-29. Review status: criteria provided, single submitter. Criteria: ACMG Guidelines, 2015. Collection method: clinical testing. Allele origin: germline.

Labcorp Genetics (formerly Invitae), Labcorp
Classification: Pathogenic. Last evaluated: 2024-02-16. Review status: criteria provided, single submitter. Criteria: Invitae Variant Classification Sherloc (09022015). Collection method: clinical testing. Allele origin: germline.
Comment: This sequence change creates a premature translational stop signal (p.Arg155*) in the XPC gene. It is expected to result in an absent or disrupted protein product. Loss-of-function variants in XPC are known to be pathogenic (PMID: 23173980, 25256075). This variant is present in population databases (rs755825264, gnomAD 0.004%). This premature translational stop signal has been observed in individuals with xeroderma pigmentosum (PMID: 16081512, 23173980, 24218596). This variant is also known as c.567C>T. ClinVar contains an entry for this variant (Variation ID: 496268). For these reasons, this variant has been classified as Pathogenic.

Baylor Genetics
Classification: Pathogenic for Xeroderma pigmentosum, group C. Last evaluated: 2023-11-29. Review status: criteria provided, single submitter. Criteria: ACMG Guidelines, 2015. Collection method: clinical testing. Allele origin: unknown.

Women's Health and Genetics/Laboratory Corporation of America, LabCorp
Classification: Pathogenic for Xeroderma pigmentosum. Last evaluated: 2016-07-21. Review status: criteria provided, single submitter. Criteria: LabCorp Variant Classification Summary - May 2015. Collection method: clinical testing. Allele origin: germline.
Comment: Variant summary: The XPC c.463C>T (p.Arg155X) variant results in a premature termination codon, predicted to cause a truncated or absent XPC protein due to nonsense mediated decay, which are commonly known mechanisms for disease. The variant of interest was observed in the large, broad control population, ExAC, with an allele frequency of 2/120516 (1/60258), which does not exceed the estimated maximal expected allele frequency of a pathogenic XPC variant (0.0014142). Multiple publications cite the variant in affected individuals as homozygotes and compound heterozygotes. In addition, functional studies show the variant of interest to have a deleterious effect on protein function. Therefore, the variant of interest has been classified as Pathogenic.

Literature cited by the submitters: PubMed 23173980 (cited by Labcorp Genetics (formerly Invitae), Labcorp); PubMed 25256075 (cited by Labcorp Genetics (formerly Invitae), Labcorp); PubMed 16081512 (cited by Labcorp Genetics (formerly Invitae), Labcorp and Women's Health and Genetics/Laboratory Corporation of America, LabCorp); PubMed 24218596 (cited by Labcorp Genetics (formerly Invitae), Labcorp and Women's Health and Genetics/Laboratory Corporation of America, LabCorp).

NM_004628.5(XPC):c.463C>T (p.Arg155Ter)

Gene: XPC (XPC complex subunit, DNA damage recognition and repair factor; minus strand). Cytogenetic location: 3p25.1.
Variant type: single nucleotide variant.
Coding change: c.463C>T on transcript NM_004628.5 (MANE Select); coding-DNA position 463, C replaced by T.
Protein change: p.Arg155Ter; replaces arginine 155 with a stop codon.
Molecular consequence: nonsense. On other transcripts: non-coding transcript variant (1), intron variant (1).
Genome position (GRCh38, 1-based): chr3:14,168,330, G>A on the plus strand (C>T on the coding strand, the complement: XPC is on the minus strand). VCF-style: chr3-14168330-G-A. GRCh37 (hg19) VCF-style: chr3-14209830-G-A.
Other names: c.463C>T, p.Arg155Ter (NM_001354727.2, NM_001354730.2); c.445C>T, p.Arg149Ter (NM_001354729.2); c.-43-1077C>T (NM_001354726.2); short protein forms R155*, R149*.
Identifiers: ClinVar variation 496268 (VCV000496268.12), dbSNP rs755825264, ClinGen allele CA2267705.